The following is an entry in ClinVar:

NM_006019.4(TCIRG1):c.2086G>A (p.Ala696Thr)

Gene: TCIRG1 (T cell immune regulator 1, ATPase H+ transporting V0 subunit a3; plus strand). Cytogenetic location: 11q13.2.
Variant type: single nucleotide variant.
Coding change: c.2086G>A on transcript NM_006019.4 (MANE Select); coding-DNA position 2086, G replaced by A.
Protein change: p.Ala696Thr; replaces alanine 696 with threonine.
Molecular consequence: missense variant.
Genome position (GRCh38, 1-based): chr11:68,050,034, G>A. VCF-style: chr11-68050034-G-A. GRCh37 (hg19) VCF-style: chr11-67817501-G-A.
Other names: c.1192G>A, p.Ala398Thr (NM_001351059.2); c.1438G>A, p.Ala480Thr (NM_006053.4); short protein forms A398T, A480T, A696T.
Identifiers: ClinVar variation 2418912 (VCV002418912.5), dbSNP rs2495666860, ClinGen allele CA381589607.

ClinVar aggregate classification (germline): Uncertain significance (1 of 4 stars; one submission).

Allele frequency attached by ClinVar (database versions not stated): gnomAD exomes below 0.00001.
gnomAD v4.1: 2 of 1,613,406 alleles (0.00012%); highest among the groups gnomAD compares: Non-Finnish European, 0.00017%; no homozygotes.

Submission:

Labcorp Genetics (formerly Invitae), Labcorp
Classification: Uncertain significance. Last evaluated: 2024-10-16. Review status: criteria provided, single submitter. Criteria: Invitae Variant Classification Sherloc (09022015). Collection method: clinical testing. Allele origin: germline.
Comment: This sequence change replaces alanine, which is neutral and non-polar, with threonine, which is neutral and polar, at codon 696 of the TCIRG1 protein (p.Ala696Thr). This variant is not present in population databases (gnomAD no frequency). This variant has not been reported in the literature in individuals affected with TCIRG1-related conditions. ClinVar contains an entry for this variant (Variation ID: 2418912). Invitae Evidence Modeling of protein sequence and biophysical properties (such as structural, functional, and spatial information, amino acid conservation, physicochemical variation, residue mobility, and thermodynamic stability) indicates that this missense variant is not expected to disrupt TCIRG1 protein function with a negative predictive value of 80%. In summary, the available evidence is currently insufficient to determine the role of this variant in disease. Therefore, it has been classified as a Variant of Uncertain Significance.